The following is an entry in ClinVar:

ClinVar aggregate classification (germline): Pathogenic. Review status: criteria provided, multiple submitters, no conflicts (2 of 4 stars). 2 submissions from 2 submitters: Pathogenic (2). Last evaluated 2021-11-03.

Conditions:
Werner syndrome (WRN). Identifiers: Orphanet 902, MedGen C0043119, MONDO:0010196, OMIM 277700.

Submissions (2):

Institute for Clinical Genetics, University Hospital TU Dresden, University Hospital TU Dresden
Classification: Pathogenic. Last evaluated: 2021-11-03. Review status: criteria provided, single submitter. Criteria: ACMG Guidelines, 2015. Collection method: clinical testing. Allele origin: germline.

Labcorp Genetics (formerly Invitae), Labcorp
Classification: Pathogenic for Werner syndrome. Last evaluated: 2020-09-09. Review status: criteria provided, single submitter. Criteria: Invitae Variant Classification Sherloc (09022015). Collection method: clinical testing. Allele origin: germline.
Comment: This sequence change creates a premature translational stop signal (p.Gly576*) in the WRN gene. It is expected to result in an absent or disrupted protein product. For these reasons, this variant has been classified as Pathogenic. Loss-of-function variants in WRN are known to be pathogenic (PMID: 16673358). This variant has not been reported in the literature in individuals with WRN-related conditions. This variant is not present in population databases (ExAC no frequency).

Literature cited by the submitters: PubMed 16673358 (cited by Labcorp Genetics (formerly Invitae), Labcorp).

NM_000553.6(WRN):c.1726G>T (p.Gly576Ter)

Gene: WRN (WRN RecQ like helicase; plus strand). Cytogenetic location: 8p12.
Variant type: single nucleotide variant.
Coding change: c.1726G>T on transcript NM_000553.6 (MANE Select); coding-DNA position 1726, G replaced by T.
Protein change: p.Gly576Ter; replaces glycine 576 with a stop codon.
Molecular consequence: nonsense.
Genome position (GRCh38, 1-based): chr8:31,090,839, G>T. VCF-style: chr8-31090839-G-T. GRCh37 (hg19) VCF-style: chr8-30948355-G-T.
Other names: short protein forms G576*.
Identifiers: ClinVar variation 1071113 (VCV001071113.8), dbSNP rs1396973081, ClinGen allele CA370927410.
Genomic context (GRCh38, chr8:31,090,839, plus strand): 5'-TTATTTTTATTTCTATATTTTTTTCATTTTATTTTTATATTTTTTTCATTTCAAGGATAT[G>T]GAAAGAGTTTGTGCTTCCAGTATCCACCTGTTTATGTAGGCAAGATTGGCCTTGTTATCT-3'